The following is an entry in ClinVar:

ClinVar aggregate classification (germline): Uncertain significance (1 of 4 stars; one submission).

Allele frequency attached by ClinVar (database versions not stated): gnomAD exomes below 0.00001.
gnomAD v4.1: 1 of 1,613,410 alleles (0.000062%); highest among the groups gnomAD compares: Non-Finnish European, 0.000085%; no homozygotes.

Submission:

Labcorp Genetics (formerly Invitae), Labcorp
Classification: Uncertain significance. Last evaluated: 2016-07-26. Review status: criteria provided, single submitter. Criteria: Invitae Variant Classification Sherloc (09022015). Collection method: clinical testing. Allele origin: germline.
Comment: In summary, this variant is a novel missense change that is not predicted to affect protein function. There is no indication that it causes disease, but the available evidence is currently insufficient to prove that conclusively. Therefore, it has been classified as a Variant of Uncertain Significance. Algorithms developed to predict the effect of missense changes on protein structure and function (SIFT, PolyPhen-2, Align-GVGD) all suggest that this variant is likely to be tolerated, but these predictions have not been confirmed by published functional studies. This variant is not present in population databases (ExAC no frequency) and has not been reported in the literature in individuals with a POLE-related disease. This sequence change replaces serine with glycine at codon 1650 of the POLE protein (p.Ser1650Gly). The serine residue is weakly conserved and there is a small physicochemical difference between serine and glycine.

NM_006231.4(POLE):c.4948A>G (p.Ser1650Gly)

Gene: POLE (DNA polymerase epsilon, catalytic subunit; minus strand). Cytogenetic location: 12q24.33.
Variant type: single nucleotide variant.
Coding change: c.4948A>G on transcript NM_006231.4 (MANE Select); coding-DNA position 4948, A replaced by G.
Protein change: p.Ser1650Gly; replaces serine 1650 with glycine.
Molecular consequence: missense variant.
Genome position (GRCh38, 1-based): chr12:132,642,510, T>C on the plus strand (A>G on the coding strand, the complement: POLE is on the minus strand). VCF-style: chr12-132642510-T-C. GRCh37 (hg19) VCF-style: chr12-133219096-T-C.
Other names: short protein forms S1650G.
Identifiers: ClinVar variation 405875 (VCV000405875.9), dbSNP rs1060500881, ClinGen allele CA16613821.